The following is an entry in ClinVar:

NM_138576.4(BCL11B):c.1534G>T (p.Ala512Ser)

Gene: BCL11B (BCL11 transcription factor B; minus strand). Cytogenetic location: 14q32.2.
Variant type: single nucleotide variant.
Coding change: c.1534G>T on transcript NM_138576.4 (MANE Select); coding-DNA position 1534, G replaced by T.
Protein change: p.Ala512Ser; replaces alanine 512 with serine.
Molecular consequence: missense variant.
Genome position (GRCh38, 1-based): chr14:99,175,302, C>A on the plus strand (G>T on the coding strand, the complement: BCL11B is on the minus strand). VCF-style: chr14-99175302-C-A. GRCh37 (hg19) VCF-style: chr14-99641639-C-A.
Other names: c.1531G>T, p.Ala511Ser (NM_001282237.2); c.1318G>T, p.Ala440Ser (NM_001282238.2); c.1321G>T, p.Ala441Ser (NM_022898.3); short protein forms A512S, A440S, A441S, A511S.
Identifiers: ClinVar variation 1355764 (VCV001355764.6), dbSNP rs1886465012, ClinGen allele CA390935169.
Genomic context (GRCh38, chr14:99,175,302, plus strand): 5'-CCTCCGGCTCGTGGCCCAGCGACGGGTCGCTCTCGTGGTGGCGGAAGTCACCGTCGGCCG[C>A]CTTGAGGCCCTCGCCCGCCAGCTCGCTGGTGCCGGGCTCGGGGGAGCTGGCGGCCGAGAG-3'
Protein context (NP_612808.1, residues 502-522): TSELAGEGLK[Ala512Ser]ADGDFRHHES

ClinVar aggregate classification (germline): Uncertain significance (1 of 4 stars; one submission).

Allele frequency attached by ClinVar (database versions not stated): TOPMed below 0.00001.
gnomAD v4.1: 1 of 1,540,814 alleles (0.000065%); highest among the groups gnomAD compares: Non-Finnish European, 0.000087%; no homozygotes.

Submission:

Labcorp Genetics (formerly Invitae), Labcorp
Classification: Uncertain significance. Last evaluated: 2024-07-31. Review status: criteria provided, single submitter. Criteria: Invitae Variant Classification Sherloc (09022015). Collection method: clinical testing. Allele origin: germline.
Comment: This sequence change replaces alanine, which is neutral and non-polar, with serine, which is neutral and polar, at codon 512 of the BCL11B protein (p.Ala512Ser). This variant is not present in population databases (gnomAD no frequency). This variant has not been reported in the literature in individuals affected with BCL11B-related conditions. ClinVar contains an entry for this variant (Variation ID: 1355764). An algorithm developed to predict the effect of missense changes on protein structure and function outputs the following: PolyPhen-2: "Possibly Damaging". The serine amino acid residue is found in multiple mammalian species, which suggests that this missense change does not adversely affect protein function. In summary, the available evidence is currently insufficient to determine the role of this variant in disease. Therefore, it has been classified as a Variant of Uncertain Significance.